The following is an entry in ClinVar:

NM_080632.3(UPF3B):c.263+18_263+19insAAAAAAAAAAAAAAAAAAAAAT

Gene: UPF3B (UPF3B regulator of nonsense mediated mRNA decay; minus strand). Cytogenetic location: Xq24.
Variant type: Insertion.
Coding change: c.263+18_263+19insAAAAAAAAAAAAAAAAAAAAAT on transcript NM_080632.3 (MANE Select); bases 18 to 19 of the intron after coding-DNA position 263, AAAAAAAAAAAAAAAAAAAAAT inserted.
Molecular consequence: intron variant.
Genome position: GRCh38 VCF-style: chrX-119851748-C-CTATTTTTTTTTTTTTTTTTTTT. GRCh37 (hg19) VCF-style: chrX-118985711-C-CTATTTTTTTTTTTTTTTTTTTT.
Other names: c.263+18_263+19insAAAAAAAAAAAAAAAAAAAAAT (NM_023010.4).
Identifiers: ClinVar variation 3655586 (VCV003655586.2).

ClinVar aggregate classification (germline): Uncertain significance (1 of 4 stars; one submission).

Conditions:
Intellectual developmental disorder, X-linked, syndromic 14. Also called: Syndromic X-linked intellectual disability 14. Identifiers: Orphanet 776, MedGen C1970822, MONDO:0010398, OMIM 300676.

Submission:

Labcorp Genetics (formerly Invitae), Labcorp
Classification: Uncertain significance for Intellectual developmental disorder, X-linked, syndromic 14. Last evaluated: 2024-06-04. Review status: criteria provided, single submitter. Criteria: Invitae Variant Classification Sherloc (09022015). Collection method: clinical testing. Allele origin: germline.
Comment: This sequence change falls in intron 2 of the UPF3B gene. It does not directly change the encoded amino acid sequence of the UPF3B protein. This variant is not present in population databases (gnomAD no frequency). This variant has not been reported in the literature in individuals affected with UPF3B-related conditions. Experimental studies and prediction algorithms are not available or were not evaluated, and the effect of this variant on mRNA splicing is currently unknown. In summary, the available evidence is currently insufficient to determine the role of this variant in disease. Therefore, it has been classified as a Variant of Uncertain Significance.